The following is an entry in ClinVar:

ClinVar aggregate classification (germline): Pathogenic. Review status: criteria provided, multiple submitters, no conflicts (2 of 4 stars). 2 submissions from 2 submitters: Pathogenic (2). Last evaluated 2024-11-13.

Conditions:
Hereditary cancer-predisposing syndrome. Also called: Neoplastic Syndromes, Hereditary; Hereditary Cancer Syndrome; Hereditary neoplastic syndrome; Tumor predisposition. Identifiers: Orphanet 140162, MedGen C0027672, MeSH D009386, MONDO:0015356.

Submissions (2):

Color Diagnostics, LLC DBA Color Health
Classification: Pathogenic for Hereditary cancer-predisposing syndrome. Last evaluated: 2024-11-13. Review status: criteria provided, single submitter. Criteria: ACMG Guidelines, 2015. Collection method: clinical testing. Allele origin: germline.
Comment: This variant deletes 1 nucleotide in exon 10 of the BRIP1 gene, creating a frameshift and premature translation stop signal. This variant is expected to result in an absent or non-functional protein product. To our knowledge, this variant has not been reported in individuals affected with hereditary cancer in the literature. This variant has not been identified in the general population by the Genome Aggregation Database (gnomAD). Loss of BRIP1 function is a known mechanism of disease. Based on the available evidence, this variant is classified as Pathogenic.

Ambry Genetics
Classification: Pathogenic for Hereditary cancer-predisposing syndrome. Last evaluated: 2016-06-21. Review status: criteria provided, single submitter. Criteria: Ambry Variant Classification Scheme 2023. Collection method: clinical testing. Allele origin: germline.
Comment: The c.1461delT pathogenic mutation, located in coding exon 9 of the BRIP1 gene, results from a deletion of one nucleotide at nucleotide position 1461, causing a translational frameshift with a predicted alternate stop codon. Since frameshifts are typically deleterious in nature, this alteration is interpreted as a disease-causing mutation (ACMG Recommendations for Standards for Interpretation and Reporting of Sequence Variations. Revision 2007. Genet Med. 2008;10:294).

NM_032043.3(BRIP1):c.1461del (p.Ile489fs)

Gene: BRIP1 (BRCA1 interacting DNA helicase 1; minus strand). Cytogenetic location: 17q23.2.
Variant type: Deletion.
Coding change: c.1461del on transcript NM_032043.3 (MANE Select); coding-DNA position 1461, one base deleted (T; older notation c.1461delT).
Protein change: p.Ile489fs; shifts the reading frame from isoleucine 489.
Molecular consequence: frameshift variant.
Genome position (GRCh38, 1-based): chr17:61,793,609, A deleted on the plus strand (T on the coding strand, the reverse complement: BRIP1 is on the minus strand); the first of 4 consecutive A bases (chr17:61,793,609-61,793,612); deleting any one gives the same sequence. VCF-style (leftmost placement, unchanged base first): chr17-61793608-GA-G. GRCh37 (hg19) VCF-style: chr17-59870969-GA-G.
Other names: c.1461delT (NM_032043.2); short protein forms I489fs.
Identifiers: ClinVar variation 479435 (VCV000479435.7), dbSNP rs1555605866, ClinGen allele CA658658675.